The following is an entry in ClinVar:

ClinVar aggregate classification (germline): Likely pathogenic (1 of 4 stars; one submission).

Conditions:
Neuromuscular disease caused by qualitative or quantitative defects of dysferlin. Also called: Qualitative or quantitative defects of dysferlin; Dysferlinopathy. Identifiers: Orphanet 207073, MedGen C2931687, MONDO:0016145.

Allele frequency attached by ClinVar (database versions not stated): gnomAD exomes 0.00001.
gnomAD v4.1: 14 of 1,613,974 alleles (0.00087%); highest among the groups gnomAD compares: Non-Finnish European, 0.0012%; no homozygotes.

Submission:

Labcorp Genetics (formerly Invitae), Labcorp
Classification: Likely pathogenic for Neuromuscular disease caused by qualitative or quantitative defects of dysferlin. Last evaluated: 2023-09-08. Review status: criteria provided, single submitter. Criteria: Invitae Variant Classification Sherloc (09022015). Collection method: clinical testing. Allele origin: germline.
Comment: In summary, the currently available evidence indicates that the variant is pathogenic, but additional data are needed to prove that conclusively. Therefore, this variant has been classified as Likely Pathogenic. This variant disrupts the p.Gly234 amino acid residue in DYSF. Other variant(s) that disrupt this residue have been determined to be pathogenic (PMID: 17070050, 18853459). This suggests that this residue is clinically significant, and that variants that disrupt this residue are likely to be disease-causing. Advanced modeling of protein sequence and biophysical properties (such as structural, functional, and spatial information, amino acid conservation, physicochemical variation, residue mobility, and thermodynamic stability) performed at Invitae indicates that this missense variant is expected to disrupt DYSF protein function. ClinVar contains an entry for this variant (Variation ID: 653228). This variant has not been reported in the literature in individuals affected with DYSF-related conditions. This variant is not present in population databases (gnomAD no frequency). This sequence change replaces glycine, which is neutral and non-polar, with tryptophan, which is neutral and slightly polar, at codon 234 of the DYSF protein (p.Gly234Trp).

Literature cited by the submitters: PubMed 17070050; PubMed 18853459.

NM_001130987.2(DYSF):c.796G>T (p.Gly266Trp)

Gene: DYSF (dysferlin; plus strand). Cytogenetic location: 2p13.2.
Variant type: single nucleotide variant.
Coding change: c.796G>T on transcript NM_001130987.2 (MANE Select); coding-DNA position 796, G replaced by T.
Protein change: p.Gly266Trp; replaces glycine 266 with tryptophan.
Molecular consequence: missense variant.
Genome position (GRCh38, 1-based): chr2:71,515,659, G>T. VCF-style: chr2-71515659-G-T. GRCh37 (hg19) VCF-style: chr2-71742789-G-T.
Other names: c.703G>T, p.Gly235Trp (NM_001130455.2, NM_001130983.2, NM_001130984.2 and 1 more transcripts); c.700G>T, p.Gly234Trp (NM_001130976.2, NM_001130977.2, NM_003494.4 and 1 more transcripts); c.793G>T, p.Gly265Trp (NM_001130979.2, NM_001130980.2, NM_001130981.2); c.796G>T, p.Gly266Trp (NM_001130982.2, NM_001130985.2); short protein forms G265W, G234W, G235W, G266W.
Identifiers: ClinVar variation 653228 (VCV000653228.8), dbSNP rs1573657614, ClinGen allele CA347208440.
Genomic context (GRCh38, chr2:71,515,659, plus strand): 5'-CTCTTTCCTCCTTCTGGCTTTCAGATCAGGGTCCAGGTGATCGAGGGGCGCCAGCTGCCG[G>T]GGGTGAACATCAAGCCTGTGGTCAAGGTTACCGCTGCAGGGCAGACCAAGCGGACGCGGA-3'
Protein context (NP_001124459.1, residues 256-276): VQVIEGRQLP[Gly266Trp]VNIKPVVKVT